The following is an entry in ClinVar:

ClinVar aggregate classification (germline): no classifications from unflagged records (0 of 4 stars; one submission).

Submission:

Labcorp Genetics (formerly Invitae), Labcorp
Classification: Uncertain significance. Last evaluated: 2022-03-03. Review status: flagged submission. Criteria: Invitae Variant Classification Sherloc (09022015). Collection method: clinical testing. Allele origin: germline.
Comment: A gross deletion of the genomic region encompassing the full coding sequence of the OTULIN gene has been identified. The current clinical and genetic evidence is not sufficient to establish whether loss-of-function variants in OTULIN cause disease. The boundaries of this event are unknown as they extend beyond the assayed region for this gene and therefore may encompass additional genes. This variant has not been reported in the literature in individuals affected with OTULIN-related conditions. In summary, the available evidence is currently insufficient to determine the role of this variant in disease. Therefore, it has been classified as a Variant of Uncertain Significance.
ClinVar note: Notes: This submission was flagged because its interpretation of this variant conflicts with the ClinGen Gene Dosage Map curation for the gene TRIO.
ClinVar note: Reason: Conflict with ClinGen Gene Dosage Map

NC_000005.9:g.(?_13692093)_(14871567_?)del

Genes: ANKH (ANKH inorganic pyrophosphate transport regulator; minus strand), DNAH5 (dynein axonemal heavy chain 5; minus strand), OTULIN (OTU deubiquitinase with linear linkage specificity; plus strand), OTULIN-DT (OTULIN divergent transcript; minus strand), OTULINL (OTU deubiquitinase with linear linkage specificity like; plus strand) and 1 more. Cytogenetic location: 5p15.2.
Variant type: Deletion.
Identifiers: ClinVar variation 1412700 (VCV001412700.4).